The following is an entry in ClinVar:

ClinVar aggregate classification (germline): Uncertain significance (1 of 4 stars; one submission).

Submission:

Greenwood Genetic Center Diagnostic Laboratories, Greenwood Genetic Center
Classification: Uncertain significance. Last evaluated: 2024-02-01. Review status: criteria provided, single submitter. Criteria: ACMG Guidelines, 2015. Collection method: clinical testing. Allele origin: germline. Affected: yes.
Comment: Gene of Uncertain Significance

NM_017747.3(ANKHD1):c.6673_6682del (p.Asn2225fs)

Genes: ANKHD1 (ankyrin repeat and KH domain containing 1; plus strand), ANKHD1-EIF4EBP3 (ANKHD1-EIF4EBP3 readthrough; plus strand). Cytogenetic location: 5q31.3.
Variant type: Deletion.
Coding change: c.6673_6682del on transcript NM_017747.3 (MANE Select); coding-DNA positions 6673 to 6682, 10 bases deleted (AACCAGGGCT; older notation c.6673_6682delAACCAGGGCT).
Protein change: p.Asn2225fs; shifts the reading frame from asparagine 2225.
Molecular consequence: frameshift variant.
Genome position (GRCh38, 1-based): chr5:140,529,619-140,529,628, AACCAGGGCT deleted; deleting any 10 consecutive bases within chr5:140,529,616-140,529,628 gives the same sequence; the c. name uses the placement nearest the transcript's 3' end. VCF-style (leftmost placement, unchanged base first): chr5-140529615-AGCTAACCAGG-A. GRCh37 (hg19) VCF-style: chr5-139909200-AGCTAACCAGG-A.
Other names: c.6673_6682del, p.Asn2225fs (NM_020690.6); short protein forms N2225fs.
Identifiers: ClinVar variation 3235873 (VCV003235873.1), dbSNP rs2480794380, ClinGen allele CA2825001393.